The following is an entry in ClinVar:

ClinVar aggregate classification (germline): Benign/Likely benign. Review status: criteria provided, multiple submitters, no conflicts (2 of 4 stars). 4 submissions from 4 submitters: Benign (1); Likely benign (2). 1 of the submissions does not count toward it. Last evaluated 2026-01-21.

Conditions:
TCF20-related disorder. Also called: TCF20-related condition.

Allele frequency attached by ClinVar (database versions not stated): gnomAD 0.00129 and 0.00132; ESP Exome Variant Server 0.00131; 1000 Genomes Project 30x 0.00297; 1000 Genomes Project 0.00339.
gnomAD v4.1: 471 of 1,614,120 alleles (0.029%); highest among the groups gnomAD compares: African/African-American, 0.49%; 4 homozygotes.

Submissions (4):

Labcorp Genetics (formerly Invitae), Labcorp
Classification: Benign. Last evaluated: 2026-01-21. Review status: criteria provided, single submitter. Criteria: Invitae Variant Classification Sherloc (09022015). Collection method: clinical testing. Allele origin: germline.

Blueprint Genetics
Classification: Likely benign. Last evaluated: 2024-09-09. Review status: criteria provided, single submitter. Criteria: ACMG Guidelines, 2015. Collection method: clinical testing. Allele origin: germline.

CeGaT Center for Human Genetics Tuebingen
Classification: Likely benign. Last evaluated: 2024-01-01. Review status: criteria provided, single submitter. Criteria: CeGaT Center For Human Genetics Tuebingen Variant Classification Criteria Version 2. Collection method: clinical testing. Allele origin: germline. Affected: yes. Observed: 2 variant alleles.
Comment: TCF20: BS1

PreventionGenetics, part of Exact Sciences
Classification: Likely benign for TCF20-related condition. Last evaluated: 2021-03-10. Review status: no assertion criteria provided. Collection method: clinical testing. Allele origin: germline. Not counted in ClinVar's aggregate classification.
Comment: This variant is classified as likely benign based on ACMG/AMP sequence variant interpretation guidelines (Richards et al. 2015 PMID: 25741868, with internal and published modifications).

NM_001378418.1(TCF20):c.197C>T (p.Ala66Val)

Gene: TCF20 (transcription factor 20; minus strand). Cytogenetic location: 22q13.2.
Variant type: single nucleotide variant.
Coding change: c.197C>T on transcript NM_001378418.1 (MANE Select); coding-DNA position 197, C replaced by T.
Protein change: p.Ala66Val; replaces alanine 66 with valine.
Molecular consequence: missense variant.
Genome position (GRCh38, 1-based): chr22:42,215,109, G>A on the plus strand (C>T on the coding strand, the complement: TCF20 is on the minus strand). VCF-style: chr22-42215109-G-A. GRCh37 (hg19) VCF-style: chr22-42611115-G-A.
Other names: c.197C>T (NM_005650.3); c.197C>T, p.Ala66Val (NM_005650.4, NM_181492.3); short protein forms A66V.
Identifiers: ClinVar variation 1599272 (VCV001599272.34), dbSNP rs137863794, ClinGen allele CA10267414.
Genomic context (GRCh38, chr22:42,215,109, plus strand): 5'-GCCTCTTTCCTGAAACCCTGGTAACCTTGATGGCCAGAGGTCTCGCTAGCCATCGCTGCC[G>A]CAGCAGCTGCTGCTCCTCGTCGTCCACCACCACTGCCACTGCCACTGCTGCCACTACTGC-3'
Protein context (NP_001365347.1, residues 56-76): GGGRRGAAAA[Ala66Val]AAMASETSGH